The following is an entry in ClinVar:

NM_020937.4(FANCM):c.6107C>A (p.Pro2036Gln)

Gene: FANCM (FA complementation group M; plus strand). Cytogenetic location: 14q21.2.
Variant type: single nucleotide variant.
Coding change: c.6107C>A on transcript NM_020937.4 (MANE Select); coding-DNA position 6107, C replaced by A.
Protein change: p.Pro2036Gln; replaces proline 2036 with glutamine.
Molecular consequence: missense variant.
Genome position (GRCh38, 1-based): chr14:45,199,968, C>A. VCF-style: chr14-45199968-C-A. GRCh37 (hg19) VCF-style: chr14-45669171-C-A.
Other names: c.6029C>A, p.Pro2010Gln (NM_001308133.2); short protein forms P2010Q, P2036Q.
Identifiers: ClinVar variation 5021539 (VCV005021539.1).
Genomic context (GRCh38, chr14:45,199,968, plus strand): 5'-ATCAGAAGGCTGAGGAGATCTATAGATATATTCACTATGTATTTGACATACAAATGTTAC[C>A]AAATGATCTTAACCAAGATAGACTGAAATCTGATATATAATCAAGCTGCTCAAGATGGGG-3'
Protein context (NP_065988.1, residues 2026-2046): IHYVFDIQML[Pro2036Gln]NDLNQDRLKS

ClinVar aggregate classification (germline): Uncertain significance (1 of 4 stars; one submission).

Conditions:
Inborn genetic diseases. Identifiers: MedGen C0950123, MeSH D030342.

Submission:

Ambry Genetics
Classification: Uncertain significance for Inborn genetic diseases. Last evaluated: 2026-09-04. Review status: criteria provided, single submitter. Criteria: Ambry Variant Classification Scheme 2023. Collection method: clinical testing. Allele origin: germline.
Comment: The p.P2036Q variant (also known as c.6107C>A), located in coding exon 23 of the FANCM gene, results from a C to A substitution at nucleotide position 6107. The proline at codon 2036 is replaced by glutamine, an amino acid with similar properties. This amino acid position is conserved. In addition, the in silico prediction for this alteration is inconclusive. Based on the available evidence, the clinical significance of this variant remains unclear.